The following is an entry in ClinVar:

NM_000064.4(C3):c.3811-8G>A

Gene: C3 (complement C3; minus strand). Cytogenetic location: 19p13.3.
Variant type: single nucleotide variant.
Coding change: c.3811-8G>A on transcript NM_000064.4 (MANE Select); 8 bases into the intron before coding-DNA position 3811, G replaced by A.
Molecular consequence: intron variant.
Genome position (GRCh38, 1-based): chr19:6,685,154, C>T on the plus strand (G>A on the coding strand, the complement: C3 is on the minus strand). VCF-style: chr19-6685154-C-T. GRCh37 (hg19) VCF-style: chr19-6685165-C-T.
Identifiers: ClinVar variation 1969319 (VCV001969319.5), dbSNP rs1037345663, ClinGen allele CA304775117.

ClinVar aggregate classification (germline): Uncertain significance (1 of 4 stars; one submission).

Allele frequency attached by ClinVar (database versions not stated): gnomAD exomes 0.00001.
gnomAD v4.1: 3 of 1,613,132 alleles (0.00019%); highest among the groups gnomAD compares: Non-Finnish European, 0.00017%; no homozygotes.

Submission:

Labcorp Genetics (formerly Invitae), Labcorp
Classification: Uncertain significance. Last evaluated: 2022-01-16. Review status: criteria provided, single submitter. Criteria: Invitae Variant Classification Sherloc (09022015). Collection method: clinical testing. Allele origin: germline.
Comment: This sequence change falls in intron 29 of the C3 gene. It does not directly change the encoded amino acid sequence of the C3 protein. This variant is present in population databases (no rsID available, gnomAD 0.0009%). This variant has not been reported in the literature in individuals affected with C3-related conditions. Algorithms developed to predict the effect of sequence changes on RNA splicing suggest that this variant may disrupt the consensus splice site. In summary, the available evidence is currently insufficient to determine the role of this variant in disease. Therefore, it has been classified as a Variant of Uncertain Significance.